The following is an entry in ClinVar:

NM_001009944.3(PKD1):c.10G>C (p.Ala4Pro)

Gene: PKD1 (polycystin 1, transient receptor potential channel interacting; minus strand). Cytogenetic location: 16p13.3.
Variant type: single nucleotide variant.
Coding change: c.10G>C on transcript NM_001009944.3 (MANE Select); coding-DNA position 10, G replaced by C.
Protein change: p.Ala4Pro; replaces alanine 4 with proline.
Molecular consequence: missense variant.
Genome position (GRCh38, 1-based): chr16:2,135,680, C>G on the plus strand (G>C on the coding strand, the complement: PKD1 is on the minus strand). VCF-style: chr16-2135680-C-G. GRCh37 (hg19) VCF-style: chr16-2185681-C-G.
Other names: c.10G>C, p.Ala4Pro (NM_000296.4); short protein forms A4P.
Identifiers: ClinVar variation 1806272 (VCV001806272.1), dbSNP rs2544960800, ClinGen allele CA394283314.

ClinVar aggregate classification (germline): Uncertain significance (1 of 4 stars; one submission).

Conditions:
Polycystic kidney disease, adult type (PKD1). Also called: Polycystic Kidney Disease 1, Autosomal Dominant; Polycystic kidney disease 1; Polycystic kidney disease 1, severe; Polycystic Kidney, Autosomal Dominant; POLYCYSTIC KIDNEY DISEASE 1 WITH OR WITHOUT POLYCYSTIC LIVER DISEASE; POLYCYSTIC KIDNEY DISEASE, ADULT, TYPE I. Identifiers: MedGen C3149841, MONDO:0008263, OMIM 173900.

Submission:

Victorian Clinical Genetics Services, Murdoch Childrens Research Institute
Classification: Uncertain significance for Polycystic kidney disease, adult type. Last evaluated: 2020-05-25. Review status: criteria provided, single submitter. Criteria: ACMG Guidelines, 2015. Collection method: clinical testing. Allele origin: germline. Inheritance: Autosomal dominant inheritance.
Comment: Based on the classification scheme VCGS_Germline_v1.1.1, this variant is classified as 3C-VUS. Following criteria are met: 0102 - Loss-of-function is a known mechanism of disease for this gene. (N) 0107 - This gene is known to be associated with autosomal dominant disease. (N) 0200 - Variant is predicted to result in a missense amino acid change from alanine to proline (exon 1). (N) 0251 - Variant is heterozygous. (N) 0301 - Variant is absent from gnomAD. (P) 0503 - Missense variant consistently predicted to be tolerated or not conserved in mammals with a minor amino acid change. (B) 0604 - Variant is not located in an established domain, motif, hotspot or informative constraint region. (N) 0705 - No comparable variants have previous evidence for pathogenicity. (N) 0807 - Variant has not previously been reported in a clinical context. (N) 0905 - No segregation evidence has been identified for this variant. (N) 1007 - No published functional evidence has been identified for this variant. (N) 1208 - Inheritance information for this variant is not currently available. (N) Legend: (P) - Pathogenic, (N) - Neutral, (B) - Benign